The following is an entry in ClinVar:

ClinVar aggregate classification (germline): Uncertain significance (1 of 4 stars; one submission).

Submission:

Labcorp Genetics (formerly Invitae), Labcorp
Classification: Uncertain significance. Last evaluated: 2021-04-28. Review status: criteria provided, single submitter. Criteria: Invitae Variant Classification Sherloc (09022015). Collection method: clinical testing. Allele origin: germline.
Comment: In summary, the available evidence is currently insufficient to determine the role of this variant in disease. Therefore, it has been classified as a Variant of Uncertain Significance. Algorithms developed to predict the effect of missense changes on protein structure and function are either unavailable or do not agree on the potential impact of this missense change (SIFT: "Deleterious"; PolyPhen-2: "Possibly Damaging"; Align-GVGD: "Class C0"). This variant has not been reported in the literature in individuals with STAG2-related conditions. This variant is not present in population databases (ExAC no frequency). This sequence change replaces glycine with valine at codon 1062 of the STAG2 protein (p.Gly1062Val). The glycine residue is highly conserved and there is a moderate physicochemical difference between glycine and valine.

NM_001042750.2(STAG2):c.3185G>T (p.Gly1062Val)

Gene: STAG2 (STAG2 cohesin complex component; plus strand). Cytogenetic location: Xq25.
Variant type: single nucleotide variant.
Coding change: c.3185G>T on transcript NM_001042750.2 (MANE Select); coding-DNA position 3185, G replaced by T.
Protein change: p.Gly1062Val; replaces glycine 1062 with valine.
Molecular consequence: missense variant.
Genome position (GRCh38, 1-based): chrX:124,086,678, G>T. VCF-style: chrX-124086678-G-T. GRCh37 (hg19) VCF-style: chrX-123220528-G-T.
Other names: c.3185G>T, p.Gly1062Val (NM_001042749.2, NM_001042751.2, NM_001282418.2 and 13 more transcripts); short protein forms G1062V.
Identifiers: ClinVar variation 1349543 (VCV001349543.6), dbSNP rs2148466233, ClinGen allele CA414281005.